The following is an entry in ClinVar:

ClinVar aggregate classification (germline): Uncertain significance (1 of 4 stars; one submission).

Allele frequency attached by ClinVar (database versions not stated): TOPMed below 0.00001; gnomAD 0.00001.
gnomAD v4.1: 4 of 1,613,792 alleles (0.00025%); highest among the groups gnomAD compares: Non-Finnish European, 0.00034%; no homozygotes.

Submission:

Labcorp Genetics (formerly Invitae), Labcorp
Classification: Uncertain significance. Last evaluated: 2022-11-08. Review status: criteria provided, single submitter. Criteria: Invitae Variant Classification Sherloc (09022015). Collection method: clinical testing. Allele origin: germline.
Comment: This sequence change replaces isoleucine, which is neutral and non-polar, with valine, which is neutral and non-polar, at codon 210 of the SLC25A12 protein (p.Ile210Val). In summary, the available evidence is currently insufficient to determine the role of this variant in disease. Therefore, it has been classified as a Variant of Uncertain Significance. Advanced modeling of protein sequence and biophysical properties (such as structural, functional, and spatial information, amino acid conservation, physicochemical variation, residue mobility, and thermodynamic stability) performed at Invitae indicates that this missense variant is not expected to disrupt SLC25A12 protein function. ClinVar contains an entry for this variant (Variation ID: 1511008). This variant has not been reported in the literature in individuals affected with SLC25A12-related conditions. This variant is present in population databases (no rsID available, gnomAD 0.007%).

NM_003705.5(SLC25A12):c.628A>G (p.Ile210Val)

Gene: SLC25A12 (solute carrier family 25 member 12; minus strand). Cytogenetic location: 2q31.1.
Variant type: single nucleotide variant.
Coding change: c.628A>G on transcript NM_003705.5 (MANE Select); coding-DNA position 628, A replaced by G.
Protein change: p.Ile210Val; replaces isoleucine 210 with valine.
Molecular consequence: missense variant. On other transcripts: non-coding transcript variant (1).
Genome position (GRCh38, 1-based): chr2:171,834,850, T>C on the plus strand (A>G on the coding strand, the complement: SLC25A12 is on the minus strand). VCF-style: chr2-171834850-T-C. GRCh37 (hg19) VCF-style: chr2-172691360-T-C.
Other names: short protein forms I210V.
Identifiers: ClinVar variation 1511008 (VCV001511008.8), dbSNP rs1464729446, ClinGen allele CA349621622.